The following is an entry in ClinVar:

NM_152703.5(SAMD9L):c.2476G>A (p.Asp826Asn)

Gene: SAMD9L (sterile alpha motif domain containing 9 like; minus strand). Cytogenetic location: 7q21.2.
Variant type: single nucleotide variant.
Coding change: c.2476G>A on transcript NM_152703.5 (MANE Select); coding-DNA position 2476, G replaced by A.
Protein change: p.Asp826Asn; replaces aspartic acid 826 with asparagine.
Molecular consequence: missense variant.
Genome position (GRCh38, 1-based): chr7:93,133,496, C>T on the plus strand (G>A on the coding strand, the complement: SAMD9L is on the minus strand). VCF-style: chr7-93133496-C-T. GRCh37 (hg19) VCF-style: chr7-92762809-C-T.
Other names: c.2476G>A (NM_152703.2); c.2476G>A, p.Asp826Asn (NM_001303496.3, NM_001303497.3, NM_001303498.3 and 5 more transcripts); short protein forms D826N.
Identifiers: ClinVar variation 1938724 (VCV001938724.7), dbSNP rs2535420084, ClinGen allele CA368187569.

ClinVar aggregate classification (germline): Uncertain significance. Review status: criteria provided, multiple submitters, no conflicts (2 of 4 stars). 2 submissions from 2 submitters: Uncertain significance (2). Last evaluated 2025-08-20.

Conditions:
Inborn genetic diseases. Identifiers: MedGen C0950123, MeSH D030342.

Submissions (2):

Ambry Genetics
Classification: Uncertain significance for Inborn genetic diseases. Last evaluated: 2025-08-20. Review status: criteria provided, single submitter. Criteria: Ambry Variant Classification Scheme 2023. Collection method: clinical testing. Allele origin: germline.

Labcorp Genetics (formerly Invitae), Labcorp
Classification: Uncertain significance. Last evaluated: 2024-09-04. Review status: criteria provided, single submitter. Criteria: Invitae Variant Classification Sherloc (09022015). Collection method: clinical testing. Allele origin: germline.
Comment: This sequence change replaces aspartic acid, which is acidic and polar, with asparagine, which is neutral and polar, at codon 826 of the SAMD9L protein (p.Asp826Asn). This variant is not present in population databases (gnomAD no frequency). This variant has not been reported in the literature in individuals affected with SAMD9L-related conditions. ClinVar contains an entry for this variant (Variation ID: 1938724). Invitae Evidence Modeling of protein sequence and biophysical properties (such as structural, functional, and spatial information, amino acid conservation, physicochemical variation, residue mobility, and thermodynamic stability) indicates that this missense variant is not expected to disrupt SAMD9L protein function with a negative predictive value of 80%. In summary, the available evidence is currently insufficient to determine the role of this variant in disease. Therefore, it has been classified as a Variant of Uncertain Significance.